The following is an entry in ClinVar:

ClinVar aggregate classification (germline): Likely benign. Review status: criteria provided, multiple submitters, no conflicts (2 of 4 stars). 3 submissions from 3 submitters: Likely benign (3). Last evaluated 2024-08-14.

Conditions:
Primary dilated cardiomyopathy (DCM). Also called: Dilated Cardiomyopathy. Identifiers: Orphanet 217604, MedGen C0007193, MeSH D002311, MONDO:0005021, HP:0001644. Inheritance: Various modes of inheritance.

Allele frequency attached by ClinVar (database versions not stated): gnomAD exomes 0.00002 and 0.00005; TOPMed 0.00002; gnomAD 0.00003; ExAC 0.00006.
gnomAD v4.1: 39 of 1,613,184 alleles (0.0024%); highest among the groups gnomAD compares: South Asian, 0.013%; no homozygotes.

Submissions (3):

Labcorp Genetics (formerly Invitae), Labcorp
Classification: Likely benign for Primary dilated cardiomyopathy. Last evaluated: 2024-08-14. Review status: criteria provided, single submitter. Criteria: Invitae Variant Classification Sherloc (09022015). Collection method: clinical testing. Allele origin: germline.

Ambry Genetics
Classification: Likely benign. Last evaluated: 2023-10-02. Review status: criteria provided, single submitter. Criteria: Ambry Variant Classification Scheme 2023. Collection method: clinical testing. Allele origin: germline.

GeneDx
Classification: Likely benign. Last evaluated: 2017-04-24. Review status: criteria provided, single submitter. Criteria: GeneDx Variant Classification (06012015). Collection method: clinical testing. Allele origin: germline. Affected: yes.
Comment: This variant is considered likely benign or benign based on one or more of the following criteria: it is a conservative change, it occurs at a poorly conserved position in the protein, it is predicted to be benign by multiple in silico algorithms, and/or has population frequency not consistent with disease.

NM_006393.3(NEBL):c.2667C>T (p.Phe889=)

Gene: NEBL (nebulette; minus strand). Cytogenetic location: 10p12.31.
Variant type: single nucleotide variant.
Coding change: c.2667C>T on transcript NM_006393.3 (MANE Select); coding-DNA position 2667, C replaced by T.
Protein change: p.Phe889=; no amino-acid change (phenylalanine 889 retained).
Molecular consequence: synonymous variant. On other transcripts: intron variant (9).
Genome position (GRCh38, 1-based): chr10:20,808,604, G>A on the plus strand (C>T on the coding strand, the complement: NEBL is on the minus strand). VCF-style: chr10-20808604-G-A. GRCh37 (hg19) VCF-style: chr10-21097533-G-A.
Other names: c.421+4165C>T (NM_001377326.1, NM_001377327.1, NM_001377328.1); c.529+4165C>T (NM_213569.2, NM_001173484.2); c.622+1202C>T (NM_001377322.1); c.472+4165C>T (NM_001377324.1); c.463+4165C>T (NM_001377325.1); c.481+4165C>T (NM_001377323.1).
Identifiers: ClinVar variation 454271 (VCV000454271.10), dbSNP rs780103943, ClinGen allele CA5432369.